The following is an entry in ClinVar:

ClinVar aggregate classification (germline): Uncertain significance (1 of 4 stars; one submission).

Conditions:
Inborn genetic diseases. Identifiers: MedGen C0950123, MeSH D030342.

Submission:

Ambry Genetics
Classification: Uncertain significance for Inborn genetic diseases. Last evaluated: 2026-04-22. Review status: criteria provided, single submitter. Criteria: Ambry Variant Classification Scheme 2023. Collection method: clinical testing. Allele origin: germline.
Comment: The p.M1376K variant (also known as c.4127T>A), located in coding exon 1 of the SAMD9L gene, results from a T to A substitution at nucleotide position 4127. The methionine at codon 1376 is replaced by lysine, an amino acid with similar properties. This amino acid position is conserved. In addition, this alteration is predicted to be tolerated by in silico analysis. Based on the available evidence, the clinical significance of this variant remains unclear.

NM_152703.5(SAMD9L):c.4127T>A (p.Met1376Lys)

Gene: SAMD9L (sterile alpha motif domain containing 9 like; minus strand). Cytogenetic location: 7q21.2.
Variant type: single nucleotide variant.
Coding change: c.4127T>A on transcript NM_152703.5 (MANE Select); coding-DNA position 4127, T replaced by A.
Protein change: p.Met1376Lys; replaces methionine 1376 with lysine.
Molecular consequence: missense variant.
Genome position (GRCh38, 1-based): chr7:93,131,845, A>T on the plus strand (T>A on the coding strand, the complement: SAMD9L is on the minus strand). VCF-style: chr7-93131845-A-T. GRCh37 (hg19) VCF-style: chr7-92761158-A-T.
Other names: c.4127T>A, p.Met1376Lys (NM_001303496.3, NM_001303497.3, NM_001303498.3 and 5 more transcripts); short protein forms M1376K.
Identifiers: ClinVar variation 4863959 (VCV004863959.1).